The following is an entry in ClinVar:

NM_001080517.3(SETD5):c.4178G>T (p.Ser1393Ile)

Gene: SETD5 (SET domain containing 5; plus strand). Cytogenetic location: 3p25.3.
Variant type: single nucleotide variant.
Coding change: c.4178G>T on transcript NM_001080517.3 (MANE Select); coding-DNA position 4178, G replaced by T.
Protein change: p.Ser1393Ile; replaces serine 1393 with isoleucine.
Molecular consequence: missense variant.
Genome position (GRCh38, 1-based): chr3:9,475,940, G>T. VCF-style: chr3-9475940-G-T. GRCh37 (hg19) VCF-style: chr3-9517624-G-T.
Other names: c.3884G>T, p.Ser1295Ile (NM_001292043.2, NM_001349451.2); short protein forms S1295I, S1393I.
Identifiers: ClinVar variation 2629697 (VCV002629697.1), dbSNP rs762422016, ClinGen allele CA351694677.

ClinVar aggregate classification (germline): Uncertain significance (1 of 4 stars; one submission).

Conditions:
SETD5-related disorder. Also called: SETD5-related disorders; SETD5-related condition.

Allele frequency attached by ClinVar (database versions not stated): gnomAD 0.00001.
gnomAD v4.1: 1 of 1,613,880 alleles (0.000062%); highest among the groups gnomAD compares: South Asian, 0.0011%; no homozygotes.

Submission:

PreventionGenetics, part of Exact Sciences
Classification: Uncertain significance for SETD5-related condition. Last evaluated: 2023-01-05. Review status: criteria provided, single submitter. Criteria: ACMG Guidelines, 2015. Collection method: clinical testing. Allele origin: germline.
Comment: The SETD5 c.4178G>T variant is predicted to result in the amino acid substitution p.Ser1393Ile. To our knowledge, this variant has not been reported in the literature or in a large population database, indicating this variant is rare. At this time, the clinical significance of this variant is uncertain due to the absence of conclusive functional and genetic evidence.